The following is an entry in ClinVar:

ClinVar aggregate classification (germline): Uncertain significance (1 of 4 stars; one submission).

Conditions:
Focal segmental glomerulosclerosis 5 (FSGS5). Identifiers: Orphanet 656, MedGen C2750475, MONDO:0013191, OMIM 613237.
Charcot-Marie-Tooth disease dominant intermediate E. Also called: CHARCOT-MARIE-TOOTH NEUROPATHY WITH FOCAL SEGMENTAL GLOMERULONEPHRITIS. Identifiers: Orphanet 93114, MedGen C4302667, MONDO:0013758, OMIM 614455.

Submission:

Labcorp Genetics (formerly Invitae), Labcorp
Classification: Uncertain significance for Charcot-Marie-Tooth disease dominant intermediate E; Focal segmental glomerulosclerosis 5. Last evaluated: 2025-04-21. Review status: criteria provided, single submitter. Criteria: Invitae Variant Classification Sherloc (09022015). Collection method: clinical testing. Allele origin: germline.
Comment: This sequence change replaces glycine, which is neutral and non-polar, with alanine, which is neutral and non-polar, at codon 1169 of the INF2 protein (p.Gly1169Ala). This variant is not present in population databases (gnomAD no frequency). This variant has not been reported in the literature in individuals affected with INF2-related conditions. Invitae Evidence Modeling of protein sequence and biophysical properties (such as structural, functional, and spatial information, amino acid conservation, physicochemical variation, residue mobility, and thermodynamic stability) indicates that this missense variant is not expected to disrupt INF2 protein function with a negative predictive value of 95%. In summary, the available evidence is currently insufficient to determine the role of this variant in disease. Therefore, it has been classified as a Variant of Uncertain Significance.

NM_022489.4(INF2):c.3506G>C (p.Gly1169Ala)

Gene: INF2 (inverted formin 2; plus strand). Cytogenetic location: 14q32.33.
Variant type: single nucleotide variant.
Coding change: c.3506G>C on transcript NM_022489.4 (MANE Select); coding-DNA position 3506, G replaced by C.
Protein change: p.Gly1169Ala; replaces glycine 1169 with alanine.
Molecular consequence: missense variant. On other transcripts: non-coding transcript variant (1).
Genome position (GRCh38, 1-based): chr14:104,714,668, G>C. VCF-style: chr14-104714668-G-C. GRCh37 (hg19) VCF-style: chr14-105181005-G-C.
Other names: c.3506G>C, p.Gly1169Ala (NM_001031714.4, NM_001426862.1, NM_001426863.1 and 2 more transcripts); short protein forms G1169A.
Identifiers: ClinVar variation 4789560 (VCV004789560.1).